The following is an entry in ClinVar:

ClinVar aggregate classification (germline): Uncertain significance (1 of 4 stars; one submission).

Conditions:
Hereditary cancer-predisposing syndrome. Also called: Tumor predisposition; Hereditary neoplastic syndrome; Hereditary Cancer Syndrome; Neoplastic Syndromes, Hereditary. Identifiers: Orphanet 140162, MedGen C0027672, MeSH D009386, MONDO:0015356.

Submission:

Ambry Genetics
Classification: Uncertain significance for Hereditary cancer-predisposing syndrome. Last evaluated: 2025-04-24. Review status: criteria provided, single submitter. Criteria: Ambry Variant Classification Scheme 2023. Collection method: clinical testing. Allele origin: germline.
Comment: The p.I109V variant (also known as c.325A>G), located in coding exon 3 of the SDHAF2 gene, results from an A to G substitution at nucleotide position 325. The isoleucine at codon 109 is replaced by valine, an amino acid with highly similar properties. This amino acid position is conserved. In addition, the in silico prediction for this alteration is inconclusive. Based on the available evidence, the clinical significance of this variant remains unclear.

NM_017841.4(SDHAF2):c.325A>G (p.Ile109Val)

Gene: SDHAF2 (succinate dehydrogenase complex assembly factor 2; plus strand). Cytogenetic location: 11q12.2.
Variant type: single nucleotide variant.
Coding change: c.325A>G on transcript NM_017841.4 (MANE Select); coding-DNA position 325, A replaced by G.
Protein change: p.Ile109Val; replaces isoleucine 109 with valine.
Molecular consequence: missense variant.
Genome position (GRCh38, 1-based): chr11:61,438,068, A>G. VCF-style: chr11-61438068-A-G. GRCh37 (hg19) VCF-style: chr11-61205540-A-G.
Other names: short protein forms I109V.
Identifiers: ClinVar variation 3951374 (VCV003951374.1).